The following is an entry in ClinVar:

NM_004656.4(BAP1):c.450_460del (p.His151fs)

Gene: BAP1 (BRCA1 associated deubiquitinase 1; minus strand). Cytogenetic location: 3p21.1.
Variant type: Deletion.
Coding change: c.450_460del on transcript NM_004656.4 (MANE Select); coding-DNA positions 450 to 460, 11 bases deleted (CCACCTCCCTG).
Protein change: p.His151fs; shifts the reading frame from histidine 151.
Molecular consequence: frameshift variant.
Genome position (GRCh38, 1-based): chr3:52,407,294-52,407,304, CAGGGAGGTGG deleted on the plus strand (CCACCTCCCTG on the coding strand, the reverse complement: BAP1 is on the minus strand); deleting any 11 consecutive bases within chr3:52,407,294-52,407,305 gives the same sequence; the c. name uses the placement nearest the transcript's 3' end. VCF-style (leftmost placement, unchanged base first): chr3-52407293-TCAGGGAGGTGG-T. GRCh37 (hg19) VCF-style: chr3-52441309-TCAGGGAGGTGG-T.
Other names: c.450_460del, p.His151fs (NM_001410772.1); c.450_460del11 (NM_004656.2); short protein forms H151fs.
Identifiers: ClinVar variation 4842547 (VCV004842547.1).

ClinVar aggregate classification (germline): Pathogenic (1 of 4 stars; one submission).

Conditions:
Hereditary cancer-predisposing syndrome. Also called: Neoplastic Syndromes, Hereditary; Tumor predisposition; Hereditary Cancer Syndrome; Hereditary neoplastic syndrome. Identifiers: Orphanet 140162, MedGen C0027672, MeSH D009386, MONDO:0015356.

Submission:

Ambry Genetics
Classification: Pathogenic for Hereditary cancer-predisposing syndrome. Last evaluated: 2026-01-02. Review status: criteria provided, single submitter. Criteria: Ambry Variant Classification Scheme 2023. Collection method: clinical testing. Allele origin: germline.
Comment: The c.450_460del11 pathogenic mutation, located in coding exon 7 of the BAP1 gene, results from a deletion of 11 nucleotides at nucleotide positions 450 to 460, causing a translational frameshift with a predicted alternate stop codon (p.H151Efs*6). This variant is considered to be rare based on population cohorts in the Genome Aggregation Database (gnomAD). This alteration is expected to result in loss of function by premature protein truncation or nonsense-mediated mRNA decay. As such, this alteration is interpreted as a disease-causing mutation.